The following is an entry in ClinVar:

ClinVar aggregate classification (germline): Benign/Likely benign. Review status: criteria provided, multiple submitters, no conflicts (2 of 4 stars). 4 submissions from 4 submitters: Benign (2); Likely benign (2). Last evaluated 2026-06-27.

Conditions:
BMS1-related disorder. Also called: BMS1-related condition.

Allele frequency attached by ClinVar (database versions not stated): gnomAD 0.00056 and 0.00064; ESP Exome Variant Server 0.00069; gnomAD exomes 0.00069 and 0.00097; 1000 Genomes Project 30x 0.00078; 1000 Genomes Project 0.00080; TOPMed 0.00080; ExAC 0.00096.
gnomAD v4.1: 1,131 of 1,602,650 alleles (0.071%); highest among the groups gnomAD compares: Middle Eastern, 1.9%; 7 homozygotes.

Submissions (4):

PreventionGenetics, part of Exact Sciences
Classification: Likely benign for BMS1-related condition. Last evaluated: 2026-06-27. Review status: criteria provided, single submitter. Criteria: ACMG Guidelines, 2015. Collection method: clinical testing. Allele origin: germline.
Comment: This variant is classified as likely benign based on ACMG/AMP sequence variant interpretation guidelines (Richards et al. 2015 PMID: 25741868, with internal and published modifications).

Blueprint Genetics
Classification: Likely benign. Last evaluated: 2024-11-26. Review status: criteria provided, single submitter. Criteria: ACMG Guidelines, 2015. Collection method: clinical testing. Allele origin: germline.

Labcorp Genetics (formerly Invitae), Labcorp
Classification: Benign. Last evaluated: 2019-12-31. Review status: criteria provided, single submitter. Criteria: Invitae Variant Classification Sherloc (09022015). Collection method: clinical testing. Allele origin: germline.

Breakthrough Genomics
Classification: Benign. Review status: criteria provided, single submitter. Criteria: ACMG Guidelines, 2015. Collection method: not provided. Allele origin: germline. Inheritance: Autosomal dominant inheritance. Affected: yes.

NM_014753.4(BMS1):c.1983G>A (p.Thr661=)

Gene: BMS1 (BMS1 ribosome biogenesis factor; plus strand). Cytogenetic location: 10q11.21.
Variant type: single nucleotide variant.
Coding change: c.1983G>A on transcript NM_014753.4 (MANE Select); coding-DNA position 1983, G replaced by A.
Protein change: p.Thr661=; no amino-acid change (threonine 661 retained).
Molecular consequence: synonymous variant.
Genome position (GRCh38, 1-based): chr10:42,797,227, G>A. VCF-style: chr10-42797227-G-A. GRCh37 (hg19) VCF-style: chr10-43292675-G-A.
Identifiers: ClinVar variation 737444 (VCV000737444.7), dbSNP rs142050206, ClinGen allele CA5475864.